The following is an entry in ClinVar:

NM_033118.4(MYLK2):c.425G>A (p.Gly142Asp)

Gene: MYLK2 (myosin light chain kinase 2; plus strand). Cytogenetic location: 20q11.21.
Variant type: single nucleotide variant.
Coding change: c.425G>A on transcript NM_033118.4 (MANE Select); coding-DNA position 425, G replaced by A.
Protein change: p.Gly142Asp; replaces glycine 142 with aspartic acid.
Molecular consequence: missense variant.
Genome position (GRCh38, 1-based): chr20:31,820,498, G>A. VCF-style: chr20-31820498-G-A. GRCh37 (hg19) VCF-style: chr20-30408301-G-A.
Other names: short protein forms G142D.
Identifiers: ClinVar variation 4707043 (VCV004707043.1).

ClinVar aggregate classification (germline): Uncertain significance (1 of 4 stars; one submission).

Conditions:
Hypertrophic cardiomyopathy 1 (CMH1). Also called: Familial hypertrophic cardiomyopathy 1; MYH7-Related Familial Hypertrophic Cardiomyopathy. Identifiers: MedGen C3495498, MONDO:0008647, OMIM 192600.

gnomAD v4.1: 4 of 1,606,554 alleles (0.00025%); highest among the groups gnomAD compares: Non-Finnish European, 0.00034%; no homozygotes.

Submission:

Labcorp Genetics (formerly Invitae), Labcorp
Classification: Uncertain significance for Hypertrophic cardiomyopathy 1. Last evaluated: 2025-09-14. Review status: criteria provided, single submitter. Criteria: Invitae Variant Classification Sherloc (09022015). Collection method: clinical testing. Allele origin: germline.
Comment: This sequence change replaces glycine, which is neutral and non-polar, with aspartic acid, which is acidic and polar, at codon 142 of the MYLK2 protein (p.Gly142Asp). This variant is not present in population databases (gnomAD no frequency). This variant has not been reported in the literature in individuals affected with MYLK2-related conditions. Invitae Evidence Modeling of protein sequence and biophysical properties (such as structural, functional, and spatial information, amino acid conservation, physicochemical variation, residue mobility, and thermodynamic stability) indicates that this missense variant is not expected to disrupt MYLK2 protein function with a negative predictive value of 80%. In summary, the available evidence is currently insufficient to determine the role of this variant in disease. Therefore, it has been classified as a Variant of Uncertain Significance.